The following is an entry in ClinVar:

ClinVar aggregate classification (germline): Uncertain significance. Review status: criteria provided, multiple submitters, no conflicts (2 of 4 stars). 2 submissions from 2 submitters: Uncertain significance (2). Last evaluated 2025-02-21.

Allele frequency attached by ClinVar (database versions not stated): gnomAD exomes 0.00003 and 0.00008; ExAC 0.00008; 1000 Genomes Project 30x 0.00016; 1000 Genomes Project 0.00020; ESP Exome Variant Server 0.00031; gnomAD 0.00031 and 0.00034; TOPMed 0.00034.
gnomAD v4.1: 88 of 1,583,404 alleles (0.0056%); highest among the groups gnomAD compares: African/African-American, 0.1%; no homozygotes.

Submissions (2):

Ambry Genetics
Classification: Uncertain significance. Last evaluated: 2025-02-21. Review status: criteria provided, single submitter. Criteria: Ambry Variant Classification Scheme 2023. Collection method: clinical testing. Allele origin: germline.

Labcorp Genetics (formerly Invitae), Labcorp
Classification: Uncertain significance. Last evaluated: 2025-01-27. Review status: criteria provided, single submitter. Criteria: Invitae Variant Classification Sherloc (09022015). Collection method: clinical testing. Allele origin: germline.
Comment: This sequence change replaces methionine, which is neutral and non-polar, with threonine, which is neutral and polar, at codon 791 of the CCDC88A protein (p.Met791Thr). This variant is present in population databases (rs143163482, gnomAD 0.09%). This variant has not been reported in the literature in individuals affected with CCDC88A-related conditions. ClinVar contains an entry for this variant (Variation ID: 1354274). An algorithm developed to predict the effect of missense changes on protein structure and function outputs the following: PolyPhen-2: "Benign". The threonine amino acid residue is found in multiple mammalian species, which suggests that this missense change does not adversely affect protein function. In summary, the available evidence is currently insufficient to determine the role of this variant in disease. Therefore, it has been classified as a Variant of Uncertain Significance.

NM_001365480.1(CCDC88A):c.2372T>C (p.Met791Thr)

Gene: CCDC88A (coiled-coil domain containing 88A; minus strand). Cytogenetic location: 2p16.1.
Variant type: single nucleotide variant.
Coding change: c.2372T>C on transcript NM_001365480.1 (MANE Select); coding-DNA position 2372, T replaced by C.
Protein change: p.Met791Thr; replaces methionine 791 with threonine.
Molecular consequence: missense variant.
Genome position (GRCh38, 1-based): chr2:55,334,449, A>G on the plus strand (T>C on the coding strand, the complement: CCDC88A is on the minus strand). VCF-style: chr2-55334449-A-G. GRCh37 (hg19) VCF-style: chr2-55561585-A-G.
Other names: c.2372T>C, p.Met791Thr (NM_001135597.2, NM_001254943.2, NM_018084.5); c.2372T>C (NM_001135597.1); short protein forms M791T.
Identifiers: ClinVar variation 1354274 (VCV001354274.8), dbSNP rs143163482, ClinGen allele CA1665992.